The following is an entry in ClinVar:

ClinVar aggregate classification (germline): Uncertain significance (1 of 4 stars; one submission).

Allele frequency attached by ClinVar (database versions not stated): gnomAD exomes below 0.00001; gnomAD 0.00001.

Submission:

Labcorp Genetics (formerly Invitae), Labcorp
Classification: Uncertain significance. Last evaluated: 2021-12-19. Review status: criteria provided, single submitter. Criteria: Invitae Variant Classification Sherloc (09022015). Collection method: clinical testing. Allele origin: germline.
Comment: In summary, the available evidence is currently insufficient to determine the role of this variant in disease. Therefore, it has been classified as a Variant of Uncertain Significance. Variants that disrupt the consensus splice site are a relatively common cause of aberrant splicing (PMID: 17576681, 9536098). Algorithms developed to predict the effect of sequence changes on RNA splicing suggest that this variant is not likely to affect RNA splicing. This variant has not been reported in the literature in individuals affected with ERCC2-related conditions. This variant is present in population databases (no rsID available, gnomAD 0.006%). This sequence change falls in intron 20 of the ERCC2 gene. It does not directly change the encoded amino acid sequence of the ERCC2 protein. It affects a nucleotide within the consensus splice site.

Literature cited by the submitters: PubMed 17576681; PubMed 9536098.

NM_000400.4(ERCC2):c.1903-3C>T

Gene: ERCC2 (ERCC excision repair 2, TFIIH core complex helicase subunit; minus strand). Cytogenetic location: 19q13.32.
Variant type: single nucleotide variant.
Coding change: c.1903-3C>T on transcript NM_000400.4 (MANE Select); 3 bases into the intron before coding-DNA position 1903, C replaced by T.
Molecular consequence: intron variant.
Genome position (GRCh38, 1-based): chr19:45,352,652, G>A on the plus strand (C>T on the coding strand, the complement: ERCC2 is on the minus strand). VCF-style: chr19-45352652-G-A. GRCh37 (hg19) VCF-style: chr19-45855910-G-A.
Identifiers: ClinVar variation 1981680 (VCV001981680.2), dbSNP rs1272905825, ClinGen allele CA633479937.